The following is an entry in ClinVar:

ClinVar aggregate classification (germline): Uncertain significance. Review status: criteria provided, multiple submitters, no conflicts (2 of 4 stars). 3 submissions from 3 submitters: Uncertain significance (3). Last evaluated 2026-08-10.

Conditions:
Cardiovascular phenotype. Identifiers: MedGen CN230736.
Hypertrophic cardiomyopathy 14. Identifiers: MedGen C2750467, MONDO:0013197, OMIM 613251.

Allele frequency attached by ClinVar (database versions not stated): gnomAD exomes below 0.00001 and 0.00001; gnomAD 0.00001.
gnomAD v4.1: 5 of 1,613,992 alleles (0.00031%); highest among the groups gnomAD compares: Middle Eastern, 0.016%; no homozygotes.

Submissions (3):

Ambry Genetics
Classification: Uncertain significance for Cardiovascular phenotype. Last evaluated: 2026-08-10. Review status: criteria provided, single submitter. Criteria: Ambry Variant Classification Scheme 2023. Collection method: clinical testing. Allele origin: germline.
Comment: The p.I87F variant (also known as c.259A>T), located in coding exon 2 of the MYH6 gene, results from an A to T substitution at nucleotide position 259. The isoleucine at codon 87 is replaced by phenylalanine, an amino acid with highly similar properties. This amino acid position is conserved. In addition, the in silico prediction for this alteration is inconclusive. Based on the available evidence, the clinical significance of this variant remains unclear.

GeneDx
Classification: Uncertain significance. Last evaluated: 2021-06-08. Review status: criteria provided, single submitter. Criteria: GeneDx Variant Classification Process June 2021. Collection method: clinical testing. Allele origin: germline. Affected: yes.
Comment: Has not been previously published as pathogenic or benign to our knowledge; In silico analysis supports that this missense variant has a deleterious effect on protein structure/function; Not observed at significant frequency in large population cohorts (Lek et al., 2016); Reported in ClinVar but additional evidence is not available (ClinVar Variant ID# 936555; Landrum et al., 2016); This variant is associated with the following publications: (PMID: 27535533, 26582918)

Labcorp Genetics (formerly Invitae), Labcorp
Classification: Uncertain significance for Familial hypertrophic cardiomyopathy 14. Last evaluated: 2019-10-01. Review status: criteria provided, single submitter. Criteria: Invitae Variant Classification Sherloc (09022015). Collection method: clinical testing. Allele origin: germline.
Comment: This sequence change replaces isoleucine with phenylalanine at codon 87 of the MYH6 protein (p.Ile87Phe). The isoleucine residue is weakly conserved and there is a small physicochemical difference between isoleucine and phenylalanine. This variant is not present in population databases (ExAC no frequency). This variant has not been reported in the literature in individuals with MYH6-related conditions. Algorithms developed to predict the effect of missense changes on protein structure and function are either unavailable or do not agree on the potential impact of this missense change (SIFT: "Deleterious"; PolyPhen-2: "Probably Damaging"; Align-GVGD: "Class C0"). In summary, the available evidence is currently insufficient to determine the role of this variant in disease. Therefore, it has been classified as a Variant of Uncertain Significance.

NM_002471.4(MYH6):c.259A>T (p.Ile87Phe)

Genes: MYH6 (myosin heavy chain 6; minus strand), LOC114827851 (VISTA enhancer hs2155; plus strand). Cytogenetic location: 14q11.2.
Variant type: single nucleotide variant.
Coding change: c.259A>T on transcript NM_002471.4 (MANE Select); coding-DNA position 259, A replaced by T.
Protein change: p.Ile87Phe; replaces isoleucine 87 with phenylalanine.
Molecular consequence: missense variant.
Genome position (GRCh38, 1-based): chr14:23,405,713, T>A on the plus strand (A>T on the coding strand, the complement: MYH6 is on the minus strand). VCF-style: chr14-23405713-T-A. GRCh37 (hg19) VCF-style: chr14-23874922-T-A.
Other names: short protein forms I87F.
Identifiers: ClinVar variation 936555 (VCV000936555.5), dbSNP rs1021271475, ClinGen allele CA257799212.
Genomic context (GRCh38, chr14:23,405,713, plus strand): 5'-CCTTGAGGTTGAAAAGCACCGCGGGCTCGTGCAGGAAGGTCAGCATGGCCATGTCCTCAA[T>A]CTTGTCGAACTTGGGTGGGTTCTGCTGCAACACCTGGTCCTCCTTCACAGTCACCGTCTG-3'
Protein context (NP_002462.2, residues 77-97): LQQNPPKFDK[Ile87Phe]EDMAMLTFLH